The following is an entry in ClinVar:

ClinVar aggregate classification (germline): Uncertain significance (1 of 4 stars; one submission).

Submission:

Labcorp Genetics (formerly Invitae), Labcorp
Classification: Uncertain significance. Last evaluated: 2026-01-06. Review status: criteria provided, single submitter. Criteria: Invitae Variant Classification Sherloc (09022015). Collection method: clinical testing. Allele origin: germline.
Comment: This sequence change falls in intron 17 of the SPTB gene. It does not directly change the encoded amino acid sequence of the SPTB protein. It affects a nucleotide within the consensus splice site. This variant is not present in population databases (gnomAD no frequency). This variant has not been reported in the literature in individuals affected with SPTB-related conditions. Variants that disrupt the consensus splice site are a relatively common cause of aberrant splicing (PMID: 17576681, 9536098). Algorithms developed to predict the effect of sequence changes on RNA splicing suggest that this variant may disrupt the consensus splice site. In summary, the available evidence is currently insufficient to determine the role of this variant in disease. Therefore, it has been classified as a Variant of Uncertain Significance.

Literature cited by the submitters: PubMed 17576681; PubMed 9536098.

NM_001355436.2(SPTB):c.3856-3del

Gene: SPTB (spectrin beta, erythrocytic; minus strand). Cytogenetic location: 14q23.3.
Variant type: Deletion.
Coding change: c.3856-3del on transcript NM_001355436.2 (MANE Select); 3 bases into the intron before coding-DNA position 3856, one base deleted (C; older notation c.3856-3delC).
Molecular consequence: intron variant.
Genome position (GRCh38, 1-based): chr14:64,784,396, G deleted on the plus strand (C on the coding strand, the reverse complement: SPTB is on the minus strand). VCF-style (leftmost placement, unchanged base first): chr14-64784395-TG-T. GRCh37 (hg19) VCF-style: chr14-65251113-TG-T.
Other names: c.3856-3del (NM_001024858.4, NM_001355437.2).
Identifiers: ClinVar variation 4734764 (VCV004734764.1).